The following is an entry in ClinVar:

NM_000660.7(TGFB1):c.517A>G (p.Lys173Glu)

Gene: TGFB1 (transforming growth factor beta 1; minus strand). Cytogenetic location: 19q13.2.
Variant type: single nucleotide variant.
Coding change: c.517A>G on transcript NM_000660.7 (MANE Select); coding-DNA position 517, A replaced by G.
Protein change: p.Lys173Glu; replaces lysine 173 with glutamic acid.
Molecular consequence: missense variant.
Genome position (GRCh38, 1-based): chr19:41,344,864, T>C on the plus strand (A>G on the coding strand, the complement: TGFB1 is on the minus strand). VCF-style: chr19-41344864-T-C. GRCh37 (hg19) VCF-style: chr19-41850769-T-C.
Other names: short protein forms K173E.
Identifiers: ClinVar variation 1383354 (VCV001383354.6), dbSNP rs2123103625, ClinGen allele CA406003267.

ClinVar aggregate classification (germline): Uncertain significance (1 of 4 stars; one submission).

Allele frequency attached by ClinVar (database versions not stated): gnomAD exomes below 0.00001.
gnomAD v4.1: 3 of 1,582,394 alleles (0.00019%); highest among the groups gnomAD compares: Non-Finnish European, 0.00026%; no homozygotes.

Submission:

Labcorp Genetics (formerly Invitae), Labcorp
Classification: Uncertain significance. Last evaluated: 2024-10-14. Review status: criteria provided, single submitter. Criteria: Invitae Variant Classification Sherloc (09022015). Collection method: clinical testing. Allele origin: germline.
Comment: This sequence change replaces lysine, which is basic and polar, with glutamic acid, which is acidic and polar, at codon 173 of the TGFB1 protein (p.Lys173Glu). This variant is not present in population databases (gnomAD no frequency). This variant has not been reported in the literature in individuals affected with TGFB1-related conditions. ClinVar contains an entry for this variant (Variation ID: 1383354). An algorithm developed to predict the effect of missense changes on protein structure and function (PolyPhen-2) suggests that this variant is likely to be tolerated. In summary, the available evidence is currently insufficient to determine the role of this variant in disease. Therefore, it has been classified as a Variant of Uncertain Significance.